The following is an entry in ClinVar:

NM_012310.5(KIF4A):c.1382A>G (p.Glu461Gly)

Gene: KIF4A (kinesin family member 4A; plus strand). Cytogenetic location: Xq13.1.
Variant type: single nucleotide variant.
Coding change: c.1382A>G on transcript NM_012310.5 (MANE Select); coding-DNA position 1382, A replaced by G.
Protein change: p.Glu461Gly; replaces glutamic acid 461 with glycine.
Molecular consequence: missense variant.
Genome position (GRCh38, 1-based): chrX:70,343,933, A>G. VCF-style: chrX-70343933-A-G. GRCh37 (hg19) VCF-style: chrX-69563783-A-G.
Other names: short protein forms E461G.
Identifiers: ClinVar variation 3252579 (VCV003252579.1), dbSNP rs2085981918.
Genomic context (GRCh38, chrX:70,343,933, plus strand): 5'-TCAGCTGCAAACTGGATCTTCAAAAGCTAGTGGAGACTTTGGAAGACCAGGAATTGAAAG[A>G]AAATGTAGAGATAATTTGTAACCTGCAGCAATTGATTACCCAGTTATCGGTAAGCCAAGT-3'
Protein context (NP_036442.3, residues 451-471): VETLEDQELK[Glu461Gly]NVEIICNLQQ

ClinVar aggregate classification (germline): Uncertain significance (1 of 4 stars; one submission).

Submission:

GeneDx
Classification: Uncertain significance. Last evaluated: 2023-12-12. Review status: criteria provided, single submitter. Criteria: GeneDx Variant Classification Process June 2021. Collection method: clinical testing. Allele origin: germline. Affected: yes.
Comment: Not observed at significant frequency in large population cohorts (gnomAD); In silico analysis supports that this missense variant has a deleterious effect on protein structure/function; Has not been previously published as pathogenic or benign to our knowledge